The following is an entry in ClinVar:

ClinVar aggregate classification (germline): Likely benign (1 of 4 stars; one submission).

Allele frequency attached by ClinVar (database versions not stated): gnomAD 0.00007; gnomAD exomes 0.00007; TOPMed 0.00008.
gnomAD v4.1: 64 of 987,594 alleles (0.0065%); highest among the groups gnomAD compares: Non-Finnish European, 0.0071%; no homozygotes.

Submission:

CeGaT Center for Human Genetics Tuebingen
Classification: Likely benign. Last evaluated: 2022-10-01. Review status: criteria provided, single submitter. Criteria: CeGaT Center For Human Genetics Tuebingen Variant Classification Criteria Version 2. Collection method: clinical testing. Allele origin: germline. Affected: yes. Observed: 1 variant allele.
Comment: STAMBP: BP4, BP7

NM_213622.4(STAMBP):c.1218+394A>G

Gene: STAMBP (STAM binding protein; plus strand). Cytogenetic location: 2p13.1.
Variant type: single nucleotide variant.
Coding change: c.1218+394A>G on transcript NM_213622.4 (MANE Select); 394 bases into the intron after coding-DNA position 1218, A replaced by G.
Molecular consequence: intron variant. On other transcripts: synonymous variant (3).
Genome position (GRCh38, 1-based): chr2:73,860,545, A>G. VCF-style: chr2-73860545-A-G. GRCh37 (hg19) VCF-style: chr2-74087672-A-G.
Other names: c.1230A>G, p.Gln410= (NM_001353969.2, NM_001353970.2); c.825A>G, p.Gln275= (NM_001353976.2); c.813+394A>G (NM_001353974.2, NM_001353975.2, NM_001353973.2 and 2 more transcripts); c.1218+394A>G (NM_006463.6, NM_001353968.2, NM_001353967.2 and 1 more transcripts).
Identifiers: ClinVar variation 2651031 (VCV002651031.24), dbSNP rs770460678, ClinGen allele CA50397967.
Genomic context (GRCh38, chr2:73,860,545, plus strand): 5'-CTGGCTTATTAAATGTTACTTTTTCCTTTCATCAATGTCTCTTTCTAAGCCTGTACTTCA[A>G]TAAGAGATTTGAAGGCAAAGGAAAAGAGAAGCCACTTCAGATAGGTAAATTAAGTATATT-3'